The following is an entry in ClinVar:

NM_019032.6(ADAMTSL4):c.1032C>T (p.Asn344=)

Genes: ADAMTSL4 (ADAMTS like 4; plus strand), ADAMTSL4-AS2 (ADAMTSL4 antisense RNA 2; minus strand). Cytogenetic location: 1q21.2.
Variant type: single nucleotide variant.
Coding change: c.1032C>T on transcript NM_019032.6 (MANE Select); coding-DNA position 1032, C replaced by T.
Protein change: p.Asn344=; no amino-acid change (asparagine 344 retained).
Molecular consequence: synonymous variant.
Genome position (GRCh38, 1-based): chr1:150,554,023, C>T. VCF-style: chr1-150554023-C-T. GRCh37 (hg19) VCF-style: chr1-150526499-C-T.
Other names: c.1032C>T, p.Asn344= (NM_001288607.2, NM_001288608.2, NM_001378596.1 and 1 more transcripts).
Identifiers: ClinVar variation 292527 (VCV000292527.15), dbSNP rs370107497, ClinGen allele CA1078103.

ClinVar aggregate classification (germline): Conflicting classifications of pathogenicity. Review status: criteria provided, conflicting classifications (1 of 4 stars). 4 submissions from 4 submitters: Uncertain significance (1); Likely benign (3). Last evaluated 2026-02-01.

Conditions:
ADAMTSL4-related disorder. Also called: ADAMTSL4-related condition; ADAMTSL4-Related Disorders.
Ectopia lentis 2, isolated, autosomal recessive (ECTOL2). Identifiers: Orphanet 1885, MedGen C3541474, MONDO:0009152, OMIM 225100.

Allele frequency attached by ClinVar (database versions not stated): ESP Exome Variant Server 0.00008; gnomAD 0.00016 and 0.00018; TOPMed 0.00021; gnomAD exomes 0.00025.
gnomAD v4.1: 300 of 1,611,172 alleles (0.019%); highest among the groups gnomAD compares: Middle Eastern, 0.16%; no homozygotes.

Submissions (4):

Labcorp Genetics (formerly Invitae), Labcorp
Classification: Likely benign. Last evaluated: 2026-02-01. Review status: criteria provided, single submitter. Criteria: Invitae Variant Classification Sherloc (09022015). Collection method: clinical testing. Allele origin: germline.

PreventionGenetics, part of Exact Sciences
Classification: Likely benign for ADAMTSL4-related condition. Last evaluated: 2025-02-13. Review status: criteria provided, single submitter. Criteria: ACMG Guidelines, 2015. Collection method: clinical testing. Allele origin: germline.
Comment: This variant is classified as likely benign based on ACMG/AMP sequence variant interpretation guidelines (Richards et al. 2015 PMID: 25741868, with internal and published modifications).

Blueprint Genetics
Classification: Likely benign. Last evaluated: 2024-10-22. Review status: criteria provided, single submitter. Criteria: ACMG Guidelines, 2015. Collection method: clinical testing. Allele origin: germline.

Illumina Laboratory Services, Illumina
Classification: Uncertain significance for Ectopia lentis 2, isolated, autosomal recessive. Last evaluated: 2018-01-13. Review status: criteria provided, single submitter. Criteria: ICSL Variant Classification Criteria 13 December 2019. Collection method: clinical testing. Allele origin: germline.